The following is an entry in ClinVar:

NM_015046.7(SETX):c.1086A>C (p.Glu362Asp)

Gene: SETX (senataxin; minus strand). Cytogenetic location: 9q34.13.
Variant type: single nucleotide variant.
Coding change: c.1086A>C on transcript NM_015046.7 (MANE Select); coding-DNA position 1086, A replaced by C.
Protein change: p.Glu362Asp; replaces glutamic acid 362 with aspartic acid.
Molecular consequence: missense variant.
Genome position (GRCh38, 1-based): chr9:132,331,064, T>G on the plus strand (A>C on the coding strand, the complement: SETX is on the minus strand). VCF-style: chr9-132331064-T-G. GRCh37 (hg19) VCF-style: chr9-135206451-T-G.
Other names: c.1086A>C, p.Glu362Asp (NM_001351527.2, NM_001351528.2); short protein forms E362D.
Identifiers: ClinVar variation 1479540 (VCV001479540.10), dbSNP rs768198537, ClinGen allele CA5297843.

ClinVar aggregate classification (germline): Conflicting classifications of pathogenicity. Review status: criteria provided, conflicting classifications (1 of 4 stars). 4 submissions from 3 submitters: Uncertain significance (3); Benign (1). Last evaluated 2023-02-08.

Conditions:
Inborn genetic diseases. Identifiers: MedGen C0950123, MeSH D030342.
Amyotrophic lateral sclerosis type 4 (ALS4). Also called: AMYOTROPHIC LATERAL SCLEROSIS 4, JUVENILE; NEURONOPATHY, DISTAL HEREDITARY MOTOR, WITH PYRAMIDAL FEATURES. Identifiers: Orphanet 357043, MedGen C1865409, MONDO:0011223, OMIM 602433.
Spinocerebellar ataxia, autosomal recessive, with axonal neuropathy 2 (SCAN2). Also called: Ataxia with Oculomotor Apraxia Type 2; Ataxia with Oculomotor Apraxia; Ataxia-ocular apraxia-2; ATAXIA-OCULOMOTOR APRAXIA 2. Identifiers: Orphanet 64753, MedGen C1853761, MONDO:0018996, OMIM 606002.

Allele frequency attached by ClinVar (database versions not stated): gnomAD exomes 0.00001; ExAC 0.00002.
gnomAD v4.1: 8 of 1,611,646 alleles (0.0005%); highest among the groups gnomAD compares: South Asian, 0.0088%; no homozygotes.

Submissions (4):

Genome-Nilou Lab
Classification: Uncertain significance for Spinocerebellar ataxia, autosomal recessive, with axonal neuropathy 2. Last evaluated: 2023-02-08. Review status: criteria provided, single submitter. Criteria: ACMG Guidelines, 2015. Collection method: clinical testing. Allele origin: germline.

Genome-Nilou Lab
Classification: Uncertain significance for Amyotrophic lateral sclerosis type 4. Last evaluated: 2023-02-08. Review status: criteria provided, single submitter. Criteria: ACMG Guidelines, 2015. Collection method: clinical testing. Allele origin: germline.

Labcorp Genetics (formerly Invitae), Labcorp
Classification: Benign for Amyotrophic lateral sclerosis type 4; Spinocerebellar ataxia, autosomal recessive, with axonal neuropathy 2. Last evaluated: 2022-12-06. Review status: criteria provided, single submitter. Criteria: Invitae Variant Classification Sherloc (09022015). Collection method: clinical testing. Allele origin: germline.

Ambry Genetics
Classification: Uncertain significance for Inborn genetic diseases. Last evaluated: 2020-12-14. Review status: criteria provided, single submitter. Criteria: Ambry Variant Classification Scheme 2023. Collection method: clinical testing. Allele origin: germline.
Comment: The p.E362D variant (also known as c.1086A>C), located in coding exon 7 of the SETX gene, results from an A to C substitution at nucleotide position 1086. The glutamic acid at codon 362 is replaced by aspartic acid, an amino acid with highly similar properties. This amino acid position is highly conserved in available vertebrate species. In addition, this alteration is predicted to be tolerated by in silico analysis. Based on the supporting evidence, this variant is unlikely to be causative of juvenile amyotrophic lateral sclerosis 4; however, its contribution to the development of spinocerebellar ataxia with axonal neuropathy 2 is uncertain. Since supporting evidence is limited at this time, the clinical significance of this alteration remains unclear.